The following is an entry in ClinVar:

ClinVar aggregate classification (germline): Uncertain significance. Review status: criteria provided, multiple submitters, no conflicts (2 of 4 stars). 3 submissions from 3 submitters: Uncertain significance (3). Last evaluated 2025-11-25.

Conditions:
Inborn genetic diseases. Identifiers: MedGen C0950123, MeSH D030342.

gnomAD v4.1: 9 of 1,611,664 alleles (0.00056%); highest among the groups gnomAD compares: Admixed American, 0.0067%; no homozygotes.

Submissions (3):

Labcorp Genetics (formerly Invitae), Labcorp
Classification: Uncertain significance. Last evaluated: 2025-11-25. Review status: criteria provided, single submitter. Criteria: Invitae Variant Classification Sherloc (09022015). Collection method: clinical testing. Allele origin: germline.
Comment: This sequence change replaces isoleucine, which is neutral and non-polar, with threonine, which is neutral and polar, at codon 53 of the COL10A1 protein (p.Ile53Thr). This variant is present in population databases (rs200692352, gnomAD 0.006%). This variant has not been reported in the literature in individuals affected with COL10A1-related conditions. ClinVar contains an entry for this variant (Variation ID: 3902690). Invitae Evidence Modeling of protein sequence and biophysical properties (such as structural, functional, and spatial information, amino acid conservation, physicochemical variation, residue mobility, and thermodynamic stability) has been performed for this missense variant. However, the output from this modeling did not meet the statistical confidence thresholds required to predict the impact of this variant on COL10A1 protein function. In summary, the available evidence is currently insufficient to determine the role of this variant in disease. Therefore, it has been classified as a Variant of Uncertain Significance.

Women's Health and Genetics/Laboratory Corporation of America, LabCorp
Classification: Uncertain significance. Last evaluated: 2025-05-27. Review status: criteria provided, single submitter. Criteria: LabCorp Variant Classification Summary - May 2015. Collection method: clinical testing. Allele origin: germline.
Comment: Variant summary: COL10A1 c.158T>C (p.Ile53Thr) results in a non-conservative amino acid change in the encoded protein sequence. Algorithms developed to predict the effect of missense changes on protein structure and function are either unavailable or do not agree on the potential impact of this missense change. The variant allele was found at a frequency of 1.6e-05 in 248106 control chromosomes. The available data on variant occurrences in the general population are insufficient to allow any conclusion about variant significance. To our knowledge, no occurrence of c.158T>C in individuals affected with Metaphyseal Chondrodysplasia, Schmid Type and no experimental evidence demonstrating its impact on protein function have been reported. No submitters have cited clinical-significance assessments for this variant to ClinVar. Based on the evidence outlined above, the variant was classified as uncertain significance.

Ambry Genetics
Classification: Uncertain significance for Inborn genetic diseases. Last evaluated: 2025-04-07. Review status: criteria provided, single submitter. Criteria: Ambry Variant Classification Scheme 2023. Collection method: clinical testing. Allele origin: germline.

NM_000493.4(COL10A1):c.158T>C (p.Ile53Thr)

Genes: COL10A1 (collagen type X alpha 1 chain; minus strand), NT5DC1 (5'-nucleotidase domain containing 1; plus strand). Cytogenetic location: 6q22.1.
Variant type: single nucleotide variant.
Coding change: c.158T>C on transcript NM_000493.4 (MANE Select); coding-DNA position 158, T replaced by C.
Protein change: p.Ile53Thr; replaces isoleucine 53 with threonine.
Molecular consequence: missense variant. On other transcripts: intron variant (1).
Genome position (GRCh38, 1-based): chr6:116,121,958, A>G on the plus strand (T>C on the coding strand, the complement: COL10A1 is on the minus strand). VCF-style: chr6-116121958-A-G. GRCh37 (hg19) VCF-style: chr6-116443121-A-G.
Other names: c.158T>C, p.Ile53Thr (NM_001424106.1, NM_001424107.1); c.529+4013A>G (NM_152729.3); c.158T>C (NM_000493.3); short protein forms I53T.
Identifiers: ClinVar variation 3902690 (VCV003902690.3).